The following is an entry in ClinVar:

ClinVar aggregate classification (germline): Uncertain significance. Review status: criteria provided, multiple submitters, no conflicts (2 of 4 stars). 2 submissions from 2 submitters: Uncertain significance (2). Last evaluated 2022-03-02.

Conditions:
Hereditary cancer-predisposing syndrome. Also called: Hereditary Cancer Syndrome; Hereditary neoplastic syndrome; Neoplastic Syndromes, Hereditary; Tumor predisposition. Identifiers: Orphanet 140162, MedGen C0027672, MeSH D009386, MONDO:0015356.
Familial adenomatous polyposis 1 (FAP1). Also called: FAMILIAL ADENOMATOUS POLYPOSIS 1, ATTENUATED; POLYPOSIS, ADENOMATOUS INTESTINAL. Identifiers: MedGen C2713442, MONDO:0021056, OMIM 175100. Disease mechanism: loss of function.

Allele frequency attached by ClinVar (database versions not stated): TOPMed below 0.00001.

Submissions (2):

Labcorp Genetics (formerly Invitae), Labcorp
Classification: Uncertain significance for Familial adenomatous polyposis 1. Last evaluated: 2022-03-02. Review status: criteria provided, single submitter. Criteria: Invitae Variant Classification Sherloc (09022015). Collection method: clinical testing. Allele origin: germline.
Comment: This sequence change replaces alanine, which is neutral and non-polar, with threonine, which is neutral and polar, at codon 1471 of the APC protein (p.Ala1471Thr). This variant is not present in population databases (gnomAD no frequency). In summary, the available evidence is currently insufficient to determine the role of this variant in disease. Therefore, it has been classified as a Variant of Uncertain Significance. Algorithms developed to predict the effect of missense changes on protein structure and function are either unavailable or do not agree on the potential impact of this missense change (SIFT: "Tolerated"; PolyPhen-2: "Possibly Damaging"; Align-GVGD: "Class C0"). This variant has not been reported in the literature in individuals affected with APC-related conditions.

Ambry Genetics
Classification: Uncertain significance for Hereditary cancer-predisposing syndrome. Last evaluated: 2020-07-15. Review status: criteria provided, single submitter. Criteria: Ambry Variant Classification Scheme 2023. Collection method: clinical testing. Allele origin: germline.
Comment: The p.A1471T variant (also known as c.4411G>A), located in coding exon 15 of the APC gene, results from a G to A substitution at nucleotide position 4411. The alanine at codon 1471 is replaced by threonine, an amino acid with similar properties. This amino acid position is well conserved in available vertebrate species. In addition, in silico predictors for this gene do not accurately predict pathogenicity. Since supporting evidence is limited at this time, the clinical significance of this alteration remains unclear.

NM_000038.6(APC):c.4411G>A (p.Ala1471Thr)

Gene: APC (APC regulator of Wnt signaling pathway; plus strand). Cytogenetic location: 5q22.2.
Variant type: single nucleotide variant.
Coding change: c.4411G>A on transcript NM_000038.6 (MANE Select); coding-DNA position 4411, G replaced by A.
Protein change: p.Ala1471Thr; replaces alanine 1471 with threonine.
Molecular consequence: missense variant.
Genome position (GRCh38, 1-based): chr5:112,840,005, G>A. VCF-style: chr5-112840005-G-A. GRCh37 (hg19) VCF-style: chr5-112175702-G-A.
Other names: c.4411G>A, p.Ala1471Thr (NM_001127510.3, NM_001354895.2, NM_001407450.1); c.4357G>A, p.Ala1453Thr (NM_001127511.3); c.4465G>A, p.Ala1489Thr (NM_001354896.2, NM_001407447.1, NM_001407448.1 and 1 more transcripts); c.4441G>A, p.Ala1481Thr (NM_001354897.2); c.4336G>A, p.Ala1446Thr (NM_001354898.2); c.4327G>A, p.Ala1443Thr (NM_001354899.2); c.4288G>A, p.Ala1430Thr (NM_001354900.2); c.4234G>A, p.Ala1412Thr (NM_001354901.2, NM_001407453.1); and 11 more; short protein forms A1087T, A1188T, A1370T, A1380T, A1430T, A1446T, A1461T, A1464T.
Identifiers: ClinVar variation 1740407 (VCV001740407.7), dbSNP rs1241200316, ClinGen allele CA16030990.